The following is an entry in ClinVar:

ClinVar aggregate classification (germline): Likely benign (1 of 4 stars; one submission).

Allele frequency attached by ClinVar (database versions not stated): gnomAD 0.00003; gnomAD exomes 0.00003; TOPMed 0.00003; ExAC 0.00005.
gnomAD v4.1: 51 of 1,614,068 alleles (0.0032%); highest among the groups gnomAD compares: Non-Finnish European, 0.004%; no homozygotes.

Submission:

CeGaT Center for Human Genetics Tuebingen
Classification: Likely benign. Last evaluated: 2023-04-01. Review status: criteria provided, single submitter. Criteria: CeGaT Center For Human Genetics Tuebingen Variant Classification Criteria Version 2. Collection method: clinical testing. Allele origin: germline. Affected: yes. Observed: 1 variant allele.
Comment: EEF1B2: BP4, BP7

NM_001959.4(EEF1B2):c.243T>G (p.Pro81=)

Gene: EEF1B2 (eukaryotic translation elongation factor 1 beta 2; plus strand). Cytogenetic location: 2q33.3.
Variant type: single nucleotide variant.
Coding change: c.243T>G on transcript NM_001959.4 (MANE Select); coding-DNA position 243, T replaced by G.
Protein change: p.Pro81=; no amino-acid change (proline 81 retained).
Molecular consequence: synonymous variant.
Genome position (GRCh38, 1-based): chr2:206,161,385, T>G. VCF-style: chr2-206161385-T-G. GRCh37 (hg19) VCF-style: chr2-207026109-T-G.
Other names: c.243T>G, p.Pro81= (NM_001037663.2, NM_021121.4).
Identifiers: ClinVar variation 2651838 (VCV002651838.24), dbSNP rs754727138, ClinGen allele CA2071106.